The following is an entry in ClinVar:

NM_000246.4(CIITA):c.2266C>T (p.Arg756Cys)

Gene: CIITA (class II major histocompatibility complex transactivator; plus strand). Cytogenetic location: 16p13.13.
Variant type: single nucleotide variant.
Coding change: c.2266C>T on transcript NM_000246.4 (MANE Select); coding-DNA position 2266, C replaced by T.
Protein change: p.Arg756Cys; replaces arginine 756 with cysteine.
Molecular consequence: missense variant. On other transcripts: intron variant (1).
Genome position (GRCh38, 1-based): chr16:10,907,758, C>T. VCF-style: chr16-10907758-C-T. GRCh37 (hg19) VCF-style: chr16-11001615-C-T.
Other names: c.2269C>T, p.Arg757Cys (NM_001286402.1, NM_001379332.1); c.2122C>T, p.Arg708Cys (NM_001379330.1); c.2119C>T, p.Arg707Cys (NM_001379331.1); c.2266C>T, p.Arg756Cys (NM_001379333.1); c.2197C>T, p.Arg733Cys (NM_001379334.1); c.860-1225C>T (NM_001286403.2); short protein forms R708C, R733C, R707C, R757C, R756C.
Identifiers: ClinVar variation 1386977 (VCV001386977.5), dbSNP rs745911038, ClinGen allele CA7900333.

ClinVar aggregate classification (germline): Uncertain significance (1 of 4 stars; one submission).

Conditions:
MHC class II deficiency. Also called: BLS, TYPE II; Bare lymphocyte syndrome 2. Identifiers: Orphanet 572, MedGen C5447452, MONDO:0008855.

Allele frequency attached by ClinVar (database versions not stated): gnomAD 0.00001; gnomAD exomes 0.00001; ExAC 0.00002.
gnomAD v4.1: 13 of 1,614,138 alleles (0.00081%); highest among the groups gnomAD compares: African/African-American, 0.0013%; no homozygotes.

Submission:

Labcorp Genetics (formerly Invitae), Labcorp
Classification: Uncertain significance for MHC class II deficiency. Last evaluated: 2021-09-01. Review status: criteria provided, single submitter. Criteria: Invitae Variant Classification Sherloc (09022015). Collection method: clinical testing. Allele origin: germline.
Comment: This sequence change replaces arginine with cysteine at codon 756 of the CIITA protein (p.Arg756Cys). The arginine residue is highly conserved and there is a large physicochemical difference between arginine and cysteine. This variant is present in population databases (rs745911038, ExAC 0.006%). This variant has not been reported in the literature in individuals affected with CIITA-related conditions. Algorithms developed to predict the effect of missense changes on protein structure and function output the following: SIFT: "Deleterious"; PolyPhen-2: "Benign"; Align-GVGD: "Class C65". The cysteine amino acid residue is found in multiple mammalian species, which suggests that this missense change does not adversely affect protein function. In summary, the available evidence is currently insufficient to determine the role of this variant in disease. Therefore, it has been classified as a Variant of Uncertain Significance.